The following is an entry in ClinVar:

ClinVar aggregate classification (germline): Uncertain significance. Review status: criteria provided, multiple submitters, no conflicts (2 of 4 stars). 2 submissions from 2 submitters: Uncertain significance (2). Last evaluated 2025-07-14.

Allele frequency attached by ClinVar (database versions not stated): gnomAD exomes 0.00001.
gnomAD v4.1: 19 of 1,609,564 alleles (0.0012%); highest among the groups gnomAD compares: Admixed American, 0.0017%; no homozygotes.

Submissions (2):

Labcorp Genetics (formerly Invitae), Labcorp
Classification: Uncertain significance. Last evaluated: 2025-07-14. Review status: criteria provided, single submitter. Criteria: Invitae Variant Classification Sherloc (09022015). Collection method: clinical testing. Allele origin: germline.
Comment: This sequence change replaces lysine, which is basic and polar, with isoleucine, which is neutral and non-polar, at codon 158 of the ABRAXAS1 protein (p.Lys158Ile). This variant is present in population databases (no rsID available, gnomAD 0.0009%). This variant has not been reported in the literature in individuals affected with ABRAXAS1-related conditions. ClinVar contains an entry for this variant (Variation ID: 937905). Invitae Evidence Modeling of protein sequence and biophysical properties (such as structural, functional, and spatial information, amino acid conservation, physicochemical variation, residue mobility, and thermodynamic stability) indicates that this missense variant is not expected to disrupt ABRAXAS1 protein function with a negative predictive value of 80%. Algorithms developed to predict the effect of sequence changes on RNA splicing suggest that this variant may disrupt the consensus splice site. In summary, the available evidence is currently insufficient to determine the role of this variant in disease. Therefore, it has been classified as a Variant of Uncertain Significance.

Women's Health and Genetics/Laboratory Corporation of America, LabCorp
Classification: Uncertain significance. Last evaluated: 2021-12-18. Review status: criteria provided, single submitter. Criteria: LabCorp Variant Classification Summary - May 2015. Collection method: clinical testing. Allele origin: germline.

NM_139076.3(ABRAXAS1):c.473A>T (p.Lys158Ile)

Gene: ABRAXAS1 (abraxas 1, BRCA1 A complex subunit; minus strand). Cytogenetic location: 4q21.23.
Variant type: single nucleotide variant.
Coding change: c.473A>T on transcript NM_139076.3 (MANE Select); coding-DNA position 473, A replaced by T.
Protein change: p.Lys158Ile; replaces lysine 158 with isoleucine.
Molecular consequence: missense variant.
Genome position (GRCh38, 1-based): chr4:83,470,206, T>A on the plus strand (A>T on the coding strand, the complement: ABRAXAS1 is on the minus strand). VCF-style: chr4-83470206-T-A. GRCh37 (hg19) VCF-style: chr4-84391359-T-A.
Other names: c.146A>T, p.Lys49Ile (NM_001345962.2); short protein forms K49I, K158I.
Identifiers: ClinVar variation 937905 (VCV000937905.8), dbSNP rs1445851548, ClinGen allele CA357259669.